The following is an entry in ClinVar:

NM_000939.4(POMC):c.10T>C (p.Ser4Pro)

Gene: POMC (proopiomelanocortin; minus strand). Cytogenetic location: 2p23.3.
Variant type: single nucleotide variant.
Coding change: c.10T>C on transcript NM_000939.4 (MANE Select); coding-DNA position 10, T replaced by C.
Protein change: p.Ser4Pro; replaces serine 4 with proline.
Molecular consequence: missense variant.
Genome position (GRCh38, 1-based): chr2:25,164,763, A>G on the plus strand (T>C on the coding strand, the complement: POMC is on the minus strand). VCF-style: chr2-25164763-A-G. GRCh37 (hg19) VCF-style: chr2-25387632-A-G.
Other names: c.10T>C, p.Ser4Pro (NM_001035256.3, NM_001319204.2, NM_001319205.2); short protein forms S4P.
Identifiers: ClinVar variation 3355331 (VCV003355331.1).

ClinVar aggregate classification (germline): Uncertain significance (0 of 4 stars; one submission).

Conditions:
POMC-related disorder. Also called: POMC-related disorders; POMC-related condition.

gnomAD v4.1: 1 of 1,613,852 alleles (0.000062%); highest among the groups gnomAD compares: Admixed American, 0.0017%; no homozygotes.

Submission:

PreventionGenetics, part of Exact Sciences
Classification: Uncertain significance for POMC-related condition. Last evaluated: 2024-06-06. Review status: no assertion criteria provided. Collection method: clinical testing. Allele origin: germline.
Comment: The POMC c.10T>C variant is predicted to result in the amino acid substitution p.Ser4Pro. To our knowledge, this variant has not been reported in the literature. This variant is reported in 0.0029% of alleles in individuals of Latino descent in gnomAD. At this time, the clinical significance of this variant is uncertain due to the absence of conclusive functional and genetic evidence.